The following is an entry in ClinVar:

NM_205836.3(FBXO38):c.1832A>G (p.Glu611Gly)

Gene: FBXO38 (F-box protein 38; plus strand). Cytogenetic location: 5q32.
Variant type: single nucleotide variant.
Coding change: c.1832A>G on transcript NM_205836.3 (MANE Select); coding-DNA position 1832, A replaced by G.
Protein change: p.Glu611Gly; replaces glutamic acid 611 with glycine.
Molecular consequence: missense variant.
Genome position (GRCh38, 1-based): chr5:148,425,615, A>G. VCF-style: chr5-148425615-A-G. GRCh37 (hg19) VCF-style: chr5-147805178-A-G.
Other names: c.1832A>G, p.Glu611Gly (NM_001271723.2, NM_030793.5); short protein forms E611G.
Identifiers: ClinVar variation 1780978 (VCV001780978.2), dbSNP rs2531802544, ClinGen allele CA361655594.

ClinVar aggregate classification (germline): Uncertain significance (1 of 4 stars; one submission).

Allele frequency attached by ClinVar (database versions not stated): gnomAD exomes below 0.00001.
gnomAD v4.1: 1 of 1,613,922 alleles (0.000062%); highest among the groups gnomAD compares: Non-Finnish European, 0.000085%; no homozygotes.

Submission:

Ambry Genetics
Classification: Uncertain significance. Last evaluated: 2020-05-19. Review status: criteria provided, single submitter. Criteria: Ambry Variant Classification Scheme 2023. Collection method: clinical testing. Allele origin: germline.
Comment: The p.E611G variant (also known as c.1832A>G), located in coding exon 13 of the FBXO38 gene, results from an A to G substitution at nucleotide position 1832. The glutamic acid at codon 611 is replaced by glycine, an amino acid with similar properties. This amino acid position is well conserved in available vertebrate species. In addition, this alteration is predicted to be tolerated by in silico analysis. Since supporting evidence is limited at this time, the clinical significance of this alteration remains unclear.